The following is an entry in ClinVar:

ClinVar aggregate classification (germline): Uncertain significance (1 of 4 stars; one submission).

gnomAD v4.1: 1 of 1,614,106 alleles (0.000062%); highest among the groups gnomAD compares: Non-Finnish European, 0.000085%; no homozygotes.

Submission:

Labcorp Genetics (formerly Invitae), Labcorp
Classification: Uncertain significance. Last evaluated: 2024-05-23. Review status: criteria provided, single submitter. Criteria: Invitae Variant Classification Sherloc (09022015). Collection method: clinical testing. Allele origin: germline.
Comment: This sequence change replaces arginine, which is basic and polar, with proline, which is neutral and non-polar, at codon 646 of the SLC4A1 protein (p.Arg646Pro). This variant is not present in population databases (gnomAD no frequency). This variant has not been reported in the literature in individuals affected with SLC4A1-related conditions. Advanced modeling of protein sequence and biophysical properties (such as structural, functional, and spatial information, amino acid conservation, physicochemical variation, residue mobility, and thermodynamic stability) performed at Invitae indicates that this missense variant is expected to disrupt SLC4A1 protein function with a positive predictive value of 80%. In summary, the available evidence is currently insufficient to determine the role of this variant in disease. Therefore, it has been classified as a Variant of Uncertain Significance.

NM_000342.4(SLC4A1):c.1937G>C (p.Arg646Pro)

Gene: SLC4A1 (solute carrier family 4 member 1 (Diego blood group); minus strand). Cytogenetic location: 17q21.31.
Variant type: single nucleotide variant.
Coding change: c.1937G>C on transcript NM_000342.4 (MANE Select); coding-DNA position 1937, G replaced by C.
Protein change: p.Arg646Pro; replaces arginine 646 with proline.
Molecular consequence: missense variant.
Genome position (GRCh38, 1-based): chr17:44,254,616, C>G on the plus strand (G>C on the coding strand, the complement: SLC4A1 is on the minus strand). VCF-style: chr17-44254616-C-G. GRCh37 (hg19) VCF-style: chr17-42331984-C-G.
Other names: short protein forms R646P.
Identifiers: ClinVar variation 3630405 (VCV003630405.2).